The following is an entry in ClinVar:

ClinVar aggregate classification (germline): Uncertain significance. Review status: criteria provided, multiple submitters, no conflicts (2 of 4 stars). 3 submissions from 3 submitters: Uncertain significance (3). Last evaluated 2026-01-06.

Conditions:
Focal segmental glomerulosclerosis 5 (FSGS5). Identifiers: Orphanet 656, MedGen C2750475, MONDO:0013191, OMIM 613237.
Charcot-Marie-Tooth disease dominant intermediate E. Also called: CHARCOT-MARIE-TOOTH NEUROPATHY WITH FOCAL SEGMENTAL GLOMERULONEPHRITIS. Identifiers: Orphanet 93114, MedGen C4302667, MONDO:0013758, OMIM 614455.

Allele frequency attached by ClinVar (database versions not stated): gnomAD exomes below 0.00001.
gnomAD v4.1: 13 of 1,612,872 alleles (0.00081%); highest among the groups gnomAD compares: Admixed American, 0.0017%; no homozygotes.

Submissions (3):

Labcorp Genetics (formerly Invitae), Labcorp
Classification: Uncertain significance for Charcot-Marie-Tooth disease dominant intermediate E; Focal segmental glomerulosclerosis 5. Last evaluated: 2026-01-06. Review status: criteria provided, single submitter. Criteria: Invitae Variant Classification Sherloc (09022015). Collection method: clinical testing. Allele origin: germline.
Comment: This sequence change replaces glutamic acid, which is acidic and polar, with lysine, which is basic and polar, at codon 209 of the INF2 protein (p.Glu209Lys). This variant is present in population databases (no rsID available, gnomAD 0.003%). This variant has not been reported in the literature in individuals affected with INF2-related conditions. ClinVar contains an entry for this variant (Variation ID: 647176). Invitae Evidence Modeling of protein sequence and biophysical properties (such as structural, functional, and spatial information, amino acid conservation, physicochemical variation, residue mobility, and thermodynamic stability) has been performed for this missense variant. However, the output from this modeling did not meet the statistical confidence thresholds required to predict the impact of this variant on INF2 protein function. In summary, the available evidence is currently insufficient to determine the role of this variant in disease. Therefore, it has been classified as a Variant of Uncertain Significance.

Fulgent Genetics
Classification: Uncertain significance for Focal segmental glomerulosclerosis 5; Charcot-Marie-Tooth disease dominant intermediate E. Last evaluated: 2024-02-10. Review status: criteria provided, single submitter. Criteria: ACMG Guidelines, 2015. Collection method: clinical testing. Allele origin: germline.

Illumina Laboratory Services, Illumina
Classification: Uncertain significance for Focal segmental glomerulosclerosis 5. Last evaluated: 2018-01-12. Review status: criteria provided, single submitter. Criteria: ICSL Variant Classification Criteria 13 December 2019. Collection method: clinical testing. Allele origin: germline.

NM_022489.4(INF2):c.625G>A (p.Glu209Lys)

Gene: INF2 (inverted formin 2; plus strand). Cytogenetic location: 14q32.33.
Variant type: single nucleotide variant.
Coding change: c.625G>A on transcript NM_022489.4 (MANE Select); coding-DNA position 625, G replaced by A.
Protein change: p.Glu209Lys; replaces glutamic acid 209 with lysine.
Molecular consequence: missense variant.
Genome position (GRCh38, 1-based): chr14:104,703,412, G>A. VCF-style: chr14-104703412-G-A. GRCh37 (hg19) VCF-style: chr14-105169749-G-A.
Other names: c.625G>A, p.Glu209Lys (NM_001031714.4, NM_032714.3); short protein forms E209K.
Identifiers: ClinVar variation 647176 (VCV000647176.13), dbSNP rs1012899025, ClinGen allele CA267318921.